The following is an entry in ClinVar:

ClinVar aggregate classification (germline): Benign/Likely benign. Review status: criteria provided, multiple submitters, no conflicts (2 of 4 stars). 3 submissions from 3 submitters: Benign (1); Likely benign (1). 1 of the submissions does not count toward it. Last evaluated 2026-05-01.

Conditions:
L1CAM-related disorder. Also called: L1CAM-related condition.
Spastic paraplegia. Identifiers: MedGen C0037772, HP:0001258.

Allele frequency attached by ClinVar (database versions not stated): TOPMed 0.00003; gnomAD 0.00004; ESP Exome Variant Server 0.00009; ExAC 0.00016.
gnomAD v4.1: 87 of 1,207,751 alleles (0.0072%); highest among the groups gnomAD compares: South Asian, 0.13%; no homozygotes.

Submissions (3):

CeGaT Center for Human Genetics Tuebingen
Classification: Likely benign. Last evaluated: 2026-05-01. Review status: criteria provided, single submitter. Criteria: CeGaT Center For Human Genetics Tuebingen Variant Classification Criteria Version 2. Collection method: clinical testing. Allele origin: germline. Affected: yes. Observed: 1 variant allele.
Comment: L1CAM: BP4, BS2

Labcorp Genetics (formerly Invitae), Labcorp
Classification: Benign for Spastic paraplegia. Last evaluated: 2025-11-08. Review status: criteria provided, single submitter. Criteria: Invitae Variant Classification Sherloc (09022015). Collection method: clinical testing. Allele origin: germline.

PreventionGenetics, part of Exact Sciences
Classification: Likely benign for L1CAM-related condition. Last evaluated: 2021-10-10. Review status: no assertion criteria provided. Collection method: clinical testing. Allele origin: germline. Not counted in ClinVar's aggregate classification.
Comment: This variant is classified as likely benign based on ACMG/AMP sequence variant interpretation guidelines (Richards et al. 2015 PMID: 25741868, with internal and published modifications).

NM_001278116.2(L1CAM):c.3763G>A (p.Ala1255Thr)

Gene: L1CAM (L1 cell adhesion molecule; minus strand). Cytogenetic location: Xq28.
Variant type: single nucleotide variant.
Coding change: c.3763G>A on transcript NM_001278116.2 (MANE Select); coding-DNA position 3763, G replaced by A.
Protein change: p.Ala1255Thr; replaces alanine 1255 with threonine.
Molecular consequence: missense variant.
Genome position (GRCh38, 1-based): chrX:153,862,674, C>T on the plus strand (G>A on the coding strand, the complement: L1CAM is on the minus strand). VCF-style: chrX-153862674-C-T. GRCh37 (hg19) VCF-style: chrX-153128129-C-T.
Other names: c.3763G>A (NM_000425.4); c.3763G>A, p.Ala1255Thr (NM_000425.5); c.3736G>A, p.Ala1246Thr (NM_001143963.2); c.3751G>A, p.Ala1251Thr (NM_024003.3); short protein forms A1251T, A1255T, A1246T.
Identifiers: ClinVar variation 2995235 (VCV002995235.7), dbSNP rs372990965, ClinGen allele CA10553873.